The following is an entry in ClinVar:

NM_032228.6(FAR1):c.941A>C (p.His314Pro)

Gene: FAR1 (fatty acyl-CoA reductase 1; plus strand). Cytogenetic location: 11p15.3.
Variant type: single nucleotide variant.
Coding change: c.941A>C on transcript NM_032228.6 (MANE Select); coding-DNA position 941, A replaced by C.
Protein change: p.His314Pro; replaces histidine 314 with proline.
Molecular consequence: missense variant.
Genome position (GRCh38, 1-based): chr11:13,713,019, A>C. VCF-style: chr11-13713019-A-C. GRCh37 (hg19) VCF-style: chr11-13734566-A-C.
Other names: c.941A>C (NM_032228.5); short protein forms H314P.
Identifiers: ClinVar variation 2189876 (VCV002189876.5), dbSNP rs373485409, ClinGen allele CA5893425.

ClinVar aggregate classification (germline): Uncertain significance. Review status: criteria provided, multiple submitters, no conflicts (2 of 4 stars). 2 submissions from 2 submitters: Uncertain significance (2). Last evaluated 2025-08-13.

Conditions:
Inborn genetic diseases. Identifiers: MedGen C0950123, MeSH D030342.

Allele frequency attached by ClinVar (database versions not stated): TOPMed below 0.00001; gnomAD 0.00001; ESP Exome Variant Server 0.00008.
gnomAD v4.1: 2 of 1,612,744 alleles (0.00012%); highest among the groups gnomAD compares: Non-Finnish European, 0.00017%; no homozygotes.

Submissions (2):

Ambry Genetics
Classification: Uncertain significance for Inborn genetic diseases. Last evaluated: 2025-08-13. Review status: criteria provided, single submitter. Criteria: Ambry Variant Classification Scheme 2023. Collection method: clinical testing. Allele origin: germline.

Labcorp Genetics (formerly Invitae), Labcorp
Classification: Uncertain significance. Last evaluated: 2022-08-19. Review status: criteria provided, single submitter. Criteria: Invitae Variant Classification Sherloc (09022015). Collection method: clinical testing. Allele origin: germline.
Comment: This sequence change replaces histidine, which is basic and polar, with proline, which is neutral and non-polar, at codon 314 of the FAR1 protein (p.His314Pro). This variant is present in population databases (rs373485409, gnomAD 0.002%). This variant has not been reported in the literature in individuals affected with FAR1-related conditions. Algorithms developed to predict the effect of missense changes on protein structure and function are either unavailable or do not agree on the potential impact of this missense change (SIFT: "Deleterious"; PolyPhen-2: "Benign"; Align-GVGD: "Class C0"). In summary, the available evidence is currently insufficient to determine the role of this variant in disease. Therefore, it has been classified as a Variant of Uncertain Significance.